The following is an entry in ClinVar:

NM_178170.3(NEK8):c.313A>G (p.Ile105Val)

Gene: NEK8 (NIMA related kinase 8; plus strand). Cytogenetic location: 17q11.2.
Variant type: single nucleotide variant.
Coding change: c.313A>G on transcript NM_178170.3 (MANE Select); coding-DNA position 313, A replaced by G.
Protein change: p.Ile105Val; replaces isoleucine 105 with valine.
Molecular consequence: missense variant.
Genome position (GRCh38, 1-based): chr17:28,734,831, A>G. VCF-style: chr17-28734831-A-G. GRCh37 (hg19) VCF-style: chr17-27061849-A-G.
Other names: short protein forms I105V.
Identifiers: ClinVar variation 2974870 (VCV002974870.3), dbSNP rs761787363, ClinGen allele CA8467063.

ClinVar aggregate classification (germline): Uncertain significance (1 of 4 stars; one submission).

Conditions:
Nephronophthisis 9 (NPHP9). Identifiers: Orphanet 655, MedGen C3151188, MONDO:0013444, OMIM 613824.

Allele frequency attached by ClinVar (database versions not stated): TOPMed below 0.00001; ExAC 0.00001.
gnomAD v4.1: 1 of 1,613,914 alleles (0.000062%); highest among the groups gnomAD compares: Non-Finnish European, 0.000085%; no homozygotes.

Submission:

Labcorp Genetics (formerly Invitae), Labcorp
Classification: Uncertain significance for Nephronophthisis 9. Last evaluated: 2024-10-16. Review status: criteria provided, single submitter. Criteria: Invitae Variant Classification Sherloc (09022015). Collection method: clinical testing. Allele origin: germline.
Comment: This sequence change replaces isoleucine, which is neutral and non-polar, with valine, which is neutral and non-polar, at codon 105 of the NEK8 protein (p.Ile105Val). This variant is present in population databases (rs761787363, gnomAD 0.0009%). This variant has not been reported in the literature in individuals affected with NEK8-related conditions. An algorithm developed to predict the effect of missense changes on protein structure and function (PolyPhen-2) suggests that this variant is likely to be disruptive. In summary, the available evidence is currently insufficient to determine the role of this variant in disease. Therefore, it has been classified as a Variant of Uncertain Significance.